The following is an entry in ClinVar:

NM_001370259.2(MEN1):c.1370T>G (p.Ile457Arg)

Gene: MEN1 (menin 1; minus strand). Cytogenetic location: 11q13.1.
Variant type: single nucleotide variant.
Coding change: c.1370T>G on transcript NM_001370259.2 (MANE Select); coding-DNA position 1370, T replaced by G.
Protein change: p.Ile457Arg; replaces isoleucine 457 with arginine.
Molecular consequence: missense variant.
Genome position (GRCh38, 1-based): chr11:64,804,797, A>C on the plus strand (T>G on the coding strand, the complement: MEN1 is on the minus strand). VCF-style: chr11-64804797-A-C. GRCh37 (hg19) VCF-style: chr11-64572269-A-C.
Other names: c.1385T>G, p.Ile462Arg (NM_000244.4, NM_130800.3, NM_130801.3 and 3 more transcripts); c.1496T>G, p.Ile499Arg (NM_001370251.2); c.1370T>G, p.Ile457Arg (NM_001370260.2, NM_001370261.2, NM_130799.3); c.1265T>G, p.Ile422Arg (NM_001370262.2, NM_001370263.2); short protein forms I457R, I462R, I499R, I422R.
Identifiers: ClinVar variation 834261 (VCV000834261.10), dbSNP rs1277747983, ClinGen allele CA381179854.
Genomic context (GRCh38, chr11:64,804,797, plus strand): 5'-TCCCGGGCTTCCTCGCCCCACGGCTCCTCGGCCTCGGCCGCCTCGGCCTCTCGGCTCACT[A>C]TGCGCACCTTCTGCCGCACCTGGGCCAGTGGGGAGAGCAAGGTGAGAGCAAGGTTGCCGG-3'
Protein context (NP_001357188.2, residues 447-467): FEGQVRQKVR[Ile457Arg]VSREAEAAEA

ClinVar aggregate classification (germline): Uncertain significance. Review status: criteria provided, multiple submitters, no conflicts (2 of 4 stars). 2 submissions from 2 submitters: Uncertain significance (2). Last evaluated 2026-04-17.

Conditions:
Multiple endocrine neoplasia, type 1 (MEN1). Also called: MEN I; WERMER SYNDROME; Endocrine adenomatosis multiple; MEN 1; MEA I. Identifiers: Orphanet 652, MedGen C0025267, MeSH D018761, MONDO:0007540, OMIM 131100.

Submissions (2):

GeneDx
Classification: Uncertain significance. Last evaluated: 2026-04-17. Review status: criteria provided, single submitter. Criteria: GeneDx Variant Classification Process June 2021. Collection method: clinical testing. Allele origin: germline.
Comment: Not observed at significant frequency in large population cohorts (gnomAD); In silico analysis supports that this missense variant has a deleterious effect on protein structure/function; Has not been previously published as pathogenic or benign to our knowledge; This variant is associated with the following publications: (PMID: 11274402, 11526476)

Labcorp Genetics (formerly Invitae), Labcorp
Classification: Uncertain significance for Multiple endocrine neoplasia, type 1. Last evaluated: 2019-11-23. Review status: criteria provided, single submitter. Criteria: Invitae Variant Classification Sherloc (09022015). Collection method: clinical testing. Allele origin: germline.
Comment: This sequence change replaces isoleucine with arginine at codon 457 of the MEN1 protein (p.Ile457Arg). The isoleucine residue is highly conserved and there is a moderate physicochemical difference between isoleucine and arginine. This variant is not present in population databases (ExAC no frequency). This variant has not been reported in the literature in individuals with MEN1-related disease. Algorithms developed to predict the effect of missense changes on protein structure and function do not agree on the potential impact of this missense change (SIFT: "Deleterious"; PolyPhen-2: "Probably Damaging"; Align-GVGD: "Class C0"). In summary, the available evidence is currently insufficient to determine the role of this variant in disease. Therefore, it has been classified as a Variant of Uncertain Significance.